The following is an entry in ClinVar:

ClinVar aggregate classification (germline): Uncertain significance (1 of 4 stars; one submission).

Submission:

GeneDx
Classification: Uncertain significance. Last evaluated: 2017-07-31. Review status: criteria provided, single submitter. Criteria: GeneDx Variant Classification (06012015). Collection method: clinical testing. Allele origin: germline. Affected: yes.
Comment: The G132S variant has not been published as a pathogenic variant, nor has it been reported as a benign variant to our knowledge. The G132S variant is not observed in large population cohorts (Lek et al., 2016; 1000 Genomes Consortium et al., 2015; Exome Variant Server). The G132S variant is a non-conservative amino acid substitution, which is likely to impact secondary protein structure as these residues differ in polarity, charge, size and/or other properties. Additionally, this substitution occurs at a position that is conserved across species, and in silico analysis predicts this variant is probably damaging to the protein structure/function. Based on the currently available information, it is unclear whether this variant is a pathogenic variant or a rare benign variant.

NM_178012.5(TUBB2B):c.394G>A (p.Gly132Ser)

Gene: TUBB2B (tubulin beta 2B class IIb; minus strand). Cytogenetic location: 6p25.2.
Variant type: single nucleotide variant.
Coding change: c.394G>A on transcript NM_178012.5 (MANE Select); coding-DNA position 394, G replaced by A.
Protein change: p.Gly132Ser; replaces glycine 132 with serine.
Molecular consequence: missense variant.
Genome position (GRCh38, 1-based): chr6:3,225,695, C>T on the plus strand (G>A on the coding strand, the complement: TUBB2B is on the minus strand). VCF-style: chr6-3225695-C-T. GRCh37 (hg19) VCF-style: chr6-3225929-C-T.
Other names: short protein forms G132S.
Identifiers: ClinVar variation 449768 (VCV000449768.2), dbSNP rs1554126928, ClinGen allele CA362588934.